The following is an entry in ClinVar:

NC_000017.10:g.(?_57092951)_(57093180_?)del

Gene: TRIM37 (tripartite motif containing 37; minus strand). Cytogenetic location: 17q22.
Variant type: Deletion.
Identifiers: ClinVar variation 3243186 (VCV003243186.1).

ClinVar aggregate classification (germline): Pathogenic (1 of 4 stars; one submission).

Submission:

Labcorp Genetics (formerly Invitae), Labcorp
Classification: Pathogenic. Last evaluated: 2023-08-03. Review status: criteria provided, single submitter. Criteria: Invitae Variant Classification Sherloc (09022015). Collection method: clinical testing. Allele origin: unknown.
Comment: This variant is a gross deletion of the genomic region encompassing exon(s) 21 of the TRIM37 gene. This deletion is out-of-frame, and is expected to create a premature termination codon and result in an absent or disrupted protein product. Loss-of-function variants in TRIM37 are known to be pathogenic (PMID: 10888877, 15108285). This variant has not been reported in the literature in individuals affected with TRIM37-related conditions. For these reasons, this variant has been classified as Pathogenic.

Literature cited by the submitters: PubMed 10888877; PubMed 15108285.